The following is an entry in ClinVar:

NM_000038.6(APC):c.1171A>T (p.Ile391Phe)

Gene: APC (APC regulator of Wnt signaling pathway; plus strand). Cytogenetic location: 5q22.2.
Variant type: single nucleotide variant.
Coding change: c.1171A>T on transcript NM_000038.6 (MANE Select); coding-DNA position 1171, A replaced by T.
Protein change: p.Ile391Phe; replaces isoleucine 391 with phenylalanine.
Molecular consequence: missense variant. On other transcripts: intron variant (4).
Genome position (GRCh38, 1-based): chr5:112,819,203, A>T. VCF-style: chr5-112819203-A-T. GRCh37 (hg19) VCF-style: chr5-112154900-A-T.
Other names: c.1171A>T, p.Ile391Phe (NM_001127510.3, NM_001354895.2, NM_001354896.2); c.1117A>T, p.Ile373Phe (NM_001127511.3); c.1201A>T, p.Ile401Phe (NM_001354897.2); c.1096A>T, p.Ile366Phe (NM_001354898.2); c.1087A>T, p.Ile363Phe (NM_001354899.2); c.994A>T, p.Ile332Phe (NM_001354900.2, NM_001354901.2); c.322A>T, p.Ile108Phe (NM_001354906.2); c.964-66A>T (NM_001354902.2); and 3 more; short protein forms I108F, I332F, I363F, I366F, I373F, I391F, I401F.
Identifiers: ClinVar variation 1215384 (VCV001215384.14), dbSNP rs587781586, ClinGen allele CA16023870.

ClinVar aggregate classification (germline): Uncertain significance. Review status: criteria provided, multiple submitters, no conflicts (2 of 4 stars). 6 submissions from 6 submitters: Uncertain significance (6). Last evaluated 2026-03-03.

Conditions:
Classic or attenuated familial adenomatous polyposis. Identifiers: MedGen CN372698, MONDO:0021057.
Hereditary cancer-predisposing syndrome. Also called: Neoplastic Syndromes, Hereditary; Tumor predisposition; Hereditary Cancer Syndrome; Hereditary neoplastic syndrome. Identifiers: Orphanet 140162, MedGen C0027672, MeSH D009386, MONDO:0015356.
Familial adenomatous polyposis 1 (FAP1). Also called: FAMILIAL ADENOMATOUS POLYPOSIS 1, ATTENUATED; POLYPOSIS, ADENOMATOUS INTESTINAL. Identifiers: MedGen C2713442, MONDO:0021056, OMIM 175100. Disease mechanism: loss of function.

Submissions (6):

Ambry Genetics
Classification: Uncertain significance for Hereditary cancer-predisposing syndrome. Last evaluated: 2026-03-03. Review status: criteria provided, single submitter. Criteria: Ambry Variant Classification Scheme 2023. Collection method: clinical testing. Allele origin: germline.
Comment: The p.I391F variant (also known as c.1171A>T), located in coding exon 9 of the APC gene, results from an A to T substitution at nucleotide position 1171. The isoleucine at codon 391 is replaced by phenylalanine, an amino acid with highly similar properties. This amino acid position is well conserved in available vertebrate species. In addition, in silico predictors for this gene do not accurately predict pathogenicity. Based on the available evidence, the clinical significance of this variant remains unclear.

Labcorp Genetics (formerly Invitae), Labcorp
Classification: Uncertain significance for Familial adenomatous polyposis 1. Last evaluated: 2025-07-15. Review status: criteria provided, single submitter. Criteria: Invitae Variant Classification Sherloc (09022015). Collection method: clinical testing. Allele origin: germline.
Comment: This sequence change replaces isoleucine, which is neutral and non-polar, with phenylalanine, which is neutral and non-polar, at codon 391 of the APC protein (p.Ile391Phe). This variant is not present in population databases (gnomAD no frequency). This variant has not been reported in the literature in individuals affected with APC-related conditions. ClinVar contains an entry for this variant (Variation ID: 1215384). Invitae Evidence Modeling of protein sequence and biophysical properties (such as structural, functional, and spatial information, amino acid conservation, physicochemical variation, residue mobility, and thermodynamic stability) indicates that this missense variant is not expected to disrupt APC protein function with a negative predictive value of 95%. In summary, the available evidence is currently insufficient to determine the role of this variant in disease. Therefore, it has been classified as a Variant of Uncertain Significance.

All of Us Research Program, National Institutes of Health
Classification: Uncertain significance for Classic or attenuated familial adenomatous polyposis. Last evaluated: 2023-05-04. Review status: criteria provided, single submitter. Criteria: ACMG Guidelines, 2015. Collection method: clinical testing. Allele origin: germline. Inheritance: Autosomal dominant inheritance. Observed: 1 variant allele, 1 heterozygote.
Comment: This missense variant replaces isoleucine with phenylalanine at codon 391 of the APC protein. Computational prediction suggests that this variant may not impact protein structure and function (internally defined REVEL score threshold <= 0.5, PMID: 27666373). To our knowledge, functional studies have not been reported for this variant. This variant has not been reported in individuals affected with APC-related disorders in the literature. This variant has not been identified in the general population by the Genome Aggregation Database (gnomAD). The available evidence is insufficient to determine the role of this variant in disease conclusively. Therefore, this variant is classified as a Variant of Uncertain Significance.

This study involves interpretation of variants in research participants for the purpose of population health screening. Participant phenotype was not available at the time of variant classification. Additional details can be found in publication PMID: 35346344, PMCID: PMC8962531

Sema4
Classification: Uncertain significance for Hereditary cancer-predisposing syndrome. Last evaluated: 2022-01-18. Review status: criteria provided, single submitter. Criteria: Sema4 Curation Guidelines. Collection method: curation. Allele origin: germline.
Comment: The APC c.1171A>T (p.I391F) variant has not been reported in the literature to our knowledge. It was not observed in the large and broad cohorts of the Genome Aggregation Database (PMID: 32461654). This variant has been reported in ClinVar (Variation ID 1215384). Functional studies have not been performed, and in silico predictions of the variant's effect on protein function are inconclusive. The evidence is insufficient to meet ACMG/AMP criteria for classifying the variant as benign or pathogenic. Thus, the clinical significance of this variant is currently uncertain.

Department of Pathology and Laboratory Medicine, Sinai Health System
Classification: Uncertain significance for classic or attenuated familial adenomatous polyposis. Last evaluated: 2020-05-07. Review status: criteria provided, single submitter. Criteria: ACMG Guidelines, 2015. Collection method: clinical testing. Allele origin: germline.

GeneDx
Classification: Uncertain significance. Last evaluated: 2020-03-25. Review status: criteria provided, single submitter. Criteria: GeneDx Variant Classification Process June 2021. Collection method: clinical testing. Allele origin: germline. Affected: yes.
Comment: Not observed in large population cohorts (Lek 2016); In silico analysis supports that this missense variant has a deleterious effect on protein structure/function; Has not been previously published as pathogenic or benign to our knowledge